The following is an entry in ClinVar:

ClinVar aggregate classification (germline): Uncertain significance (1 of 4 stars; one submission).

Conditions:
Hereditary cancer-predisposing syndrome. Also called: Tumor predisposition; Neoplastic Syndromes, Hereditary; Hereditary neoplastic syndrome; Hereditary Cancer Syndrome. Identifiers: Orphanet 140162, MedGen C0027672, MeSH D009386, MONDO:0015356.

Submission:

Ambry Genetics
Classification: Uncertain significance for Hereditary cancer-predisposing syndrome. Last evaluated: 2025-08-27. Review status: criteria provided, single submitter. Criteria: Ambry Variant Classification Scheme 2023. Collection method: clinical testing. Allele origin: germline.
Comment: The p.N531D variant (also known as c.1591A>G), located in coding exon 16 of the MUTYH gene, results from an A to G substitution at nucleotide position 1591. The asparagine at codon 531 is replaced by aspartic acid, an amino acid with highly similar properties. This amino acid position is conserved. In addition, this alteration is predicted to be tolerated by in silico analysis. Based on the available evidence, the clinical significance of this variant remains unclear.

NM_001048174.2(MUTYH):c.1507A>G (p.Asn503Asp)

Gene: MUTYH (mutY DNA glycosylase; minus strand). Cytogenetic location: 1p34.1.
Variant type: single nucleotide variant.
Coding change: c.1507A>G on transcript NM_001048174.2 (MANE Select); coding-DNA position 1507, A replaced by G.
Protein change: p.Asn503Asp; replaces asparagine 503 with aspartic acid.
Molecular consequence: missense variant. On other transcripts: non-coding transcript variant (7).
Genome position (GRCh38, 1-based): chr1:45,329,365, T>C on the plus strand (A>G on the coding strand, the complement: MUTYH is on the minus strand). VCF-style: chr1-45329365-T-C. GRCh37 (hg19) VCF-style: chr1-45795037-T-C.
Other names: c.1507A>G, p.Asn503Asp (NM_001048171.2, NM_001048173.2, NM_001293195.2 and 6 more transcripts); c.1510A>G, p.Asn504Asp (NM_001048172.2, NM_001407086.1, NM_001407071.1 and 1 more transcripts); c.1591A>G, p.Asn531Asp (NM_001128425.2); c.1552A>G, p.Asn518Asp (NM_001293190.2); c.1540A>G, p.Asn514Asp (NM_001293191.2, NM_001407069.1, NM_001407077.1); c.1231A>G, p.Asn411Asp (NM_001293192.2, NM_001293196.2, NM_001407091.1); c.1162A>G, p.Asn388Asp (NM_001350650.2, NM_001350651.2, NM_001407082.1); c.1549A>G, p.Asn517Asp (NM_001407083.1, NM_001407085.1); and 5 more; short protein forms N475D, N528D, N490D, N503D, N510D, N531D, N388D, N411D.
Identifiers: ClinVar variation 4113406 (VCV004113406.1).
Genomic context (GRCh38, chr1:45,329,365, plus strand): 5'-GTCACTGGGCTGCACTGTTGAGGCTGTGTGCATCAGTGGAGATGTGAGACCGAAAGAAAT[T>C]ATCCAGGACTTGCTGGCCCATGCGGGGCTTTTTCCGACTGCACGGAGAGGACACCTGGGA-3'
Protein context (NP_001041639.1, residues 493-513): KPRMGQQVLD[Asn503Asp]FFRSHISTDA